The following is an entry in ClinVar:

NM_001127649.3(PEX26):c.571C>T (p.Arg191Trp)

Gene: PEX26 (peroxisomal biogenesis factor 26; plus strand). Cytogenetic location: 22q11.21.
Variant type: single nucleotide variant.
Coding change: c.571C>T on transcript NM_001127649.3 (MANE Select); coding-DNA position 571, C replaced by T.
Protein change: p.Arg191Trp; replaces arginine 191 with tryptophan.
Molecular consequence: missense variant.
Genome position (GRCh38, 1-based): chr22:18,083,636, C>T. VCF-style: chr22-18083636-C-T. GRCh37 (hg19) VCF-style: chr22-18566402-C-T.
Other names: p.Arg191Trp; c.571C>T, p.Arg191Trp (NM_001199319.2, NM_017929.6); short protein forms R191W.
Identifiers: ClinVar variation 498175 (VCV000498175.17), dbSNP rs150451390, ClinGen allele CA10093355.
Genomic context (GRCh38, chr22:18,083,636, plus strand): 5'-CTGGGCTGCTTATCGGAGGCTGAGGAGCTAGTGGTGGGCTCTGCAGCCTTTGGTGAGGAG[C>T]GGCGACTGGATGTACTTCAGGCCATTCACACAGCGAGGCAGCAGCAGAAACAGGAACACT-3'
Protein context (NP_001121121.1, residues 181-201): VVGSAAFGEE[Arg191Trp]RLDVLQAIHT

ClinVar aggregate classification (germline): Uncertain significance. Review status: criteria provided, multiple submitters, no conflicts (2 of 4 stars). 7 submissions from 7 submitters: Uncertain significance (7). Last evaluated 2026-09-15.

Conditions:
PEX26-related disorder. Also called: PEX26-related condition.
Inborn genetic diseases. Identifiers: MedGen C0950123, MeSH D030342.
Peroxisome biogenesis disorder 7B (PBD7B). Identifiers: Orphanet 44, MedGen C3553951, MONDO:0013939, OMIM 614873.
Peroxisome biogenesis disorder 7A (Zellweger). Also called: Peroxisome biogenesis disorder 7A. Identifiers: Orphanet 912, MedGen C3888385, MONDO:0013938, OMIM 614872.

Allele frequency attached by ClinVar (database versions not stated): ExAC 0.00007; gnomAD exomes 0.00008 and 0.00017; gnomAD 0.00011 and 0.00012; TOPMed 0.00017; ESP Exome Variant Server 0.00023.
gnomAD v4.1: 261 of 1,613,872 alleles (0.016%); highest among the groups gnomAD compares: Non-Finnish European, 0.02%; no homozygotes.

Submissions (7):

PreventionGenetics, part of Exact Sciences
Classification: Uncertain significance for PEX26-related condition. Last evaluated: 2026-09-15. Review status: criteria provided, single submitter. Criteria: ACMG Guidelines, 2015. Collection method: clinical testing. Allele origin: germline.
Comment: The PEX26 c.571C>T variant is predicted to result in the amino acid substitution p.Arg191Trp. To our knowledge, this variant has not been reported in the literature. This variant is reported in 0.016% of alleles in individuals of African descent in gnomAD. At this time, the clinical significance of this variant is uncertain due to the absence of conclusive functional and genetic evidence.

Ambry Genetics
Classification: Uncertain significance for Inborn genetic diseases. Last evaluated: 2025-03-31. Review status: criteria provided, single submitter. Criteria: Ambry Variant Classification Scheme 2023. Collection method: clinical testing. Allele origin: germline.

Mayo Clinic Laboratories, Mayo Clinic
Classification: Uncertain significance. Last evaluated: 2024-02-14. Review status: criteria provided, single submitter. Criteria: ACMG Guidelines, 2015. Collection method: clinical testing. Allele origin: germline. Observed: 1 variant allele.
Comment: PM2_moderate

Labcorp Genetics (formerly Invitae), Labcorp
Classification: Uncertain significance for Peroxisome biogenesis disorder 7A (Zellweger); Peroxisome biogenesis disorder 7B. Last evaluated: 2022-09-27. Review status: criteria provided, single submitter. Criteria: Invitae Variant Classification Sherloc (09022015). Collection method: clinical testing. Allele origin: germline.
Comment: This sequence change replaces arginine, which is basic and polar, with tryptophan, which is neutral and slightly polar, at codon 191 of the PEX26 protein (p.Arg191Trp). This variant is present in population databases (rs150451390, gnomAD 0.02%). This variant has not been reported in the literature in individuals affected with PEX26-related conditions. ClinVar contains an entry for this variant (Variation ID: 498175). Advanced modeling of protein sequence and biophysical properties (such as structural, functional, and spatial information, amino acid conservation, physicochemical variation, residue mobility, and thermodynamic stability) performed at Invitae indicates that this missense variant is not expected to disrupt PEX26 protein function. In summary, the available evidence is currently insufficient to determine the role of this variant in disease. Therefore, it has been classified as a Variant of Uncertain Significance.

Fulgent Genetics
Classification: Uncertain significance for Peroxisome biogenesis disorder 7A (Zellweger); Peroxisome biogenesis disorder 7B. Last evaluated: 2018-10-31. Review status: criteria provided, single submitter. Criteria: ACMG Guidelines, 2015. Collection method: clinical testing. Allele origin: unknown.

Illumina Laboratory Services, Illumina
Classification: Uncertain significance for Peroxisome biogenesis disorder 7A (Zellweger). Last evaluated: 2018-01-13. Review status: criteria provided, single submitter. Criteria: ICSL Variant Classification Criteria 13 December 2019. Collection method: clinical testing. Allele origin: germline.

Eurofins Ntd Llc (ga)
Classification: Uncertain significance. Last evaluated: 2016-10-26. Review status: criteria provided, single submitter. Criteria: EGL Classification Definitions 2015. Collection method: clinical testing. Allele origin: germline. Observed: 1 variant allele, 1 heterozygote.